The following is an entry in ClinVar:

NM_004813.4(PEX16):c.700A>G (p.Ser234Gly)

Gene: PEX16 (peroxisomal biogenesis factor 16; minus strand). Cytogenetic location: 11p11.2.
Variant type: single nucleotide variant.
Coding change: c.700A>G on transcript NM_004813.4 (MANE Select); coding-DNA position 700, A replaced by G.
Protein change: p.Ser234Gly; replaces serine 234 with glycine.
Molecular consequence: missense variant.
Genome position (GRCh38, 1-based): chr11:45,914,198, T>C on the plus strand (A>G on the coding strand, the complement: PEX16 is on the minus strand). VCF-style: chr11-45914198-T-C. GRCh37 (hg19) VCF-style: chr11-45935749-T-C.
Other names: c.700A>G, p.Ser234Gly (NM_057174.3); short protein forms S234G.
Identifiers: ClinVar variation 2131420 (VCV002131420.4), dbSNP rs2086807775, ClinGen allele CA380226875.

ClinVar aggregate classification (germline): Uncertain significance (1 of 4 stars; one submission).

Conditions:
Peroxisome biogenesis disorder. Identifiers: Orphanet 79189, MedGen C1832200, MONDO:0019234. Disease mechanism: loss of function.

Submission:

Labcorp Genetics (formerly Invitae), Labcorp
Classification: Uncertain significance for Peroxisome biogenesis disorder. Last evaluated: 2023-07-03. Review status: criteria provided, single submitter. Criteria: Invitae Variant Classification Sherloc (09022015). Collection method: clinical testing. Allele origin: germline.
Comment: This variant is not present in population databases (gnomAD no frequency). This variant has not been reported in the literature in individuals affected with PEX16-related conditions. ClinVar contains an entry for this variant (Variation ID: 2131420). Advanced modeling of protein sequence and biophysical properties (such as structural, functional, and spatial information, amino acid conservation, physicochemical variation, residue mobility, and thermodynamic stability) performed at Invitae indicates that this missense variant is not expected to disrupt PEX16 protein function. In summary, the available evidence is currently insufficient to determine the role of this variant in disease. Therefore, it has been classified as a Variant of Uncertain Significance. This sequence change replaces serine, which is neutral and polar, with glycine, which is neutral and non-polar, at codon 234 of the PEX16 protein (p.Ser234Gly).